The following is an entry in ClinVar:

ClinVar aggregate classification (germline): Uncertain significance (1 of 4 stars; one submission).

Conditions:
Hereditary cancer-predisposing syndrome. Also called: Neoplastic Syndromes, Hereditary; Tumor predisposition; Hereditary neoplastic syndrome; Hereditary Cancer Syndrome. Identifiers: Orphanet 140162, MedGen C0027672, MeSH D009386, MONDO:0015356.
Cardiovascular phenotype. Identifiers: MedGen CN230736.

Submission:

Ambry Genetics
Classification: Uncertain significance for Cardiovascular phenotype; Hereditary cancer-predisposing syndrome. Last evaluated: 2023-12-18. Review status: criteria provided, single submitter. Criteria: Ambry Variant Classification Scheme 2023. Collection method: clinical testing. Allele origin: germline.
Comment: The p.K831T variant (also known as c.2492A>C), located in coding exon 21 of the LZTR1 gene, results from an A to C substitution at nucleotide position 2492. The lysine at codon 831 is replaced by threonine, an amino acid with similar properties. This amino acid position is conserved. In addition, this alteration is predicted to be tolerated by in silico analysis. Since supporting evidence is limited at this time, the clinical significance of this alteration remains unclear.

NM_006767.4(LZTR1):c.2492A>C (p.Lys831Thr)

Gene: LZTR1 (leucine zipper like post translational regulator 1; plus strand). Cytogenetic location: 22q11.21.
Variant type: single nucleotide variant.
Coding change: c.2492A>C on transcript NM_006767.4 (MANE Select); coding-DNA position 2492, A replaced by C.
Protein change: p.Lys831Thr; replaces lysine 831 with threonine.
Molecular consequence: missense variant.
Genome position (GRCh38, 1-based): chr22:20,997,317, A>C. VCF-style: chr22-20997317-A-C. GRCh37 (hg19) VCF-style: chr22-21351606-A-C.
Other names: short protein forms K831T.
Identifiers: ClinVar variation 3238260 (VCV003238260.1), dbSNP rs2518626858.